The following is an entry in ClinVar:

ClinVar aggregate classification (germline): Pathogenic/Likely pathogenic. Review status: criteria provided, multiple submitters, no conflicts (2 of 4 stars). 2 submissions from 2 submitters: Pathogenic (1); Likely pathogenic (1). Last evaluated 2026-03-08.

Conditions:
Hemolytic anemia due to glucophosphate isomerase deficiency (CNSHA4). Also called: ANEMIA, CONGENITAL, NONSPHEROCYTIC HEMOLYTIC, 4. Identifiers: Orphanet 712, MedGen C0272064, MONDO:0013275, OMIM 613470.
GPI-related disorder. Also called: GPI-related condition.

Submissions (2):

PreventionGenetics, part of Exact Sciences
Classification: Likely pathogenic for GPI-related condition. Last evaluated: 2026-03-08. Review status: criteria provided, single submitter. Criteria: ACMG Guidelines, 2015. Collection method: clinical testing. Allele origin: germline.
Comment: The GPI c.1144G>T variant is predicted to result in premature protein termination (p.Glu382*). To our knowledge, this variant has not been reported in the literature or in a large population database (gnomAD), indicating this variant is rare. Nonsense variants in GPI are expected to be pathogenic. This variant is interpreted as likely pathogenic.

ARUP Laboratories, Molecular Genetics and Genomics, ARUP Laboratories
Classification: Pathogenic for Hemolytic anemia due to glucophosphate isomerase deficiency. Last evaluated: 2022-02-02. Review status: criteria provided, single submitter. Criteria: ARUP Molecular Germline Variant Investigation Process 2021. Collection method: clinical testing. Allele origin: germline.

NM_000175.5(GPI):c.1144G>T (p.Glu382Ter)

Gene: GPI (glucose-6-phosphate isomerase; plus strand). Cytogenetic location: 19q13.11.
Variant type: single nucleotide variant.
Coding change: c.1144G>T on transcript NM_000175.5 (MANE Select); coding-DNA position 1144, G replaced by T.
Protein change: p.Glu382Ter; replaces glutamic acid 382 with a stop codon.
Molecular consequence: nonsense.
Genome position (GRCh38, 1-based): chr19:34,396,382, G>T. VCF-style: chr19-34396382-G-T. GRCh37 (hg19) VCF-style: chr19-34887287-G-T.
Other names: c.1144G>T (NM_000175.4); c.1177G>T, p.Glu393Ter (NM_001184722.1); c.1261G>T, p.Glu421Ter (NM_001289789.1); c.1060G>T, p.Glu354Ter (NM_001289790.3); c.1144G>T, p.Glu382Ter (NM_001329909.1, NM_001329910.1, NM_001329911.2); short protein forms E354*, E382*, E393*, E421*.
Identifiers: ClinVar variation 1679475 (VCV001679475.8), dbSNP rs2074944986, ClinGen allele CA405242747.